The following is an entry in ClinVar:

NM_003070.5(SMARCA2):c.4401G>A (p.Leu1467=)

Gene: SMARCA2 (SWI/SNF related BAF chromatin remodeling complex subunit ATPase 2; plus strand). Cytogenetic location: 9p24.3.
Variant type: single nucleotide variant.
Coding change: c.4401G>A on transcript NM_003070.5 (MANE Select); coding-DNA position 4401, G replaced by A.
Protein change: p.Leu1467=; no amino-acid change (leucine 1467 retained).
Molecular consequence: synonymous variant.
Genome position (GRCh38, 1-based): chr9:2,182,182, G>A. VCF-style: chr9-2182182-G-A. GRCh37 (hg19) VCF-style: chr9-2182182-G-A.
Other names: c.4401G>A, p.Leu1467= (NM_001289396.2); c.4173G>A, p.Leu1391= (NM_001289397.2); c.375G>A, p.Leu125= (NM_001289398.2); c.459G>A, p.Leu153= (NM_001289399.2); c.465G>A, p.Leu155= (NM_001289400.2); c.4347G>A, p.Leu1449= (NM_139045.4).
Identifiers: ClinVar variation 3251409 (VCV003251409.1), dbSNP rs570310321.

ClinVar aggregate classification (germline): Likely benign (1 of 4 stars; one submission).

Allele frequency attached by ClinVar (database versions not stated): gnomAD exomes below 0.00001; gnomAD 0.00001; ExAC 0.00002; 1000 Genomes Project 30x 0.00016; 1000 Genomes Project 0.00020.
gnomAD v4.1: 5 of 1,613,580 alleles (0.00031%); highest among the groups gnomAD compares: South Asian, 0.0033%; no homozygotes.

Submission:

Women's Health and Genetics/Laboratory Corporation of America, LabCorp
Classification: Likely benign. Last evaluated: 2024-04-09. Review status: criteria provided, single submitter. Criteria: LabCorp Variant Classification Summary - May 2015. Collection method: clinical testing. Allele origin: germline.
Comment: Variant summary: SMARCA2 c.4401G>A alters a conserved nucleotide resulting in a synonymous change. Consensus agreement among computation tools predict no significant impact on normal splicing. However, these predictions have yet to be confirmed by functional studies. The variant allele was found at a frequency of 1.2e-05 in 251236 control chromosomes. The available data on variant occurrences in the general population are insufficient to allow any conclusion about variant significance. To our knowledge, no occurrence of c.4401G>A in individuals affected with Nicolaides-Baraitser Syndrome and no experimental evidence demonstrating its impact on protein function have been reported. No submitters have cited clinical-significance assessments for this variant to ClinVar. Based on the evidence outlined above, the variant was classified as likely benign.